The following is an entry in ClinVar:

ClinVar aggregate classification (germline): Likely pathogenic (1 of 4 stars; one submission).

Conditions:
Smith-Lemli-Opitz syndrome (SLOS). Also called: 7-Dehydrocholesterol reductase deficiency; POLYDACTYLY, SEX REVERSAL, RENAL HYPOPLASIA, AND UNILOBAR LUNG; RSH SYNDROME; RUTLEDGE LETHAL MULTIPLE CONGENITAL ANOMALY SYNDROME; LETHAL ACRODYSGENITAL SYNDROME. Identifiers: Orphanet 818, MedGen C0175694, MONDO:0010035, OMIM 270400.

Submission:

Labcorp Genetics (formerly Invitae), Labcorp
Classification: Likely pathogenic for Smith-Lemli-Opitz syndrome. Last evaluated: 2021-11-15. Review status: criteria provided, single submitter. Criteria: Invitae Variant Classification Sherloc (09022015). Collection method: clinical testing. Allele origin: germline.
Comment: In summary, the currently available evidence indicates that the variant is pathogenic, but additional data are needed to prove that conclusively. Therefore, this variant has been classified as Likely Pathogenic. This variant disrupts the p.Tyr318 amino acid residue in DHCR7. Other variant(s) that disrupt this residue have been determined to be pathogenic (PMID: 10995508; Invitae). This suggests that this residue is clinically significant, and that variants that disrupt this residue are likely to be disease-causing. Advanced modeling of protein sequence and biophysical properties (such as structural, functional, and spatial information, amino acid conservation, physicochemical variation, residue mobility, and thermodynamic stability) performed at Invitae indicates that this missense variant is expected to disrupt DHCR7 protein function. This variant has not been reported in the literature in individuals affected with DHCR7-related conditions. This variant is not present in population databases (gnomAD no frequency). This sequence change replaces tyrosine, which is neutral and polar, with cysteine, which is neutral and slightly polar, at codon 318 of the DHCR7 protein (p.Tyr318Cys).

Literature cited by the submitters: PubMed 10995508.

NM_001360.3(DHCR7):c.953A>G (p.Tyr318Cys)

Gene: DHCR7 (7-dehydrocholesterol reductase; minus strand). Cytogenetic location: 11q13.4.
Variant type: single nucleotide variant.
Coding change: c.953A>G on transcript NM_001360.3 (MANE Select); coding-DNA position 953, A replaced by G.
Protein change: p.Tyr318Cys; replaces tyrosine 318 with cysteine.
Molecular consequence: missense variant.
Genome position (GRCh38, 1-based): chr11:71,437,822, T>C on the plus strand (A>G on the coding strand, the complement: DHCR7 is on the minus strand). VCF-style: chr11-71437822-T-C. GRCh37 (hg19) VCF-style: chr11-71148868-T-C.
Other names: c.953A>G, p.Tyr318Cys (NM_001163817.2); short protein forms Y318C.
Identifiers: ClinVar variation 1481528 (VCV001481528.6), dbSNP rs1457166572, ClinGen allele CA381702895.